The following is an entry in ClinVar:

ClinVar aggregate classification (germline): Conflicting classifications of pathogenicity. Review status: criteria provided, conflicting classifications (1 of 4 stars). 4 submissions from 4 submitters: Uncertain significance (3); Likely benign (1). Last evaluated 2026-06-18.

Conditions:
Hypopigmentation-punctate palmoplantar keratoderma syndrome. Also called: Cole disease; GUTTATE HYPOPIGMENTATION AND PUNCTATE PALMOPLANTAR KERATODERMA WITH OR WITHOUT ECTOPIC CALCIFICATION. Identifiers: Orphanet 324561, MedGen C3809781, MONDO:0014227, OMIM 615522.
Arterial calcification, generalized, of infancy, 1 (GACI1). Also called: Idiopathic Infantile Arterial Calcification. Identifiers: Orphanet 51608, MedGen C4551985, MONDO:0008817, OMIM 208000.
Hypophosphatemic rickets, autosomal recessive, 2 (ARHR2). Identifiers: Orphanet 289176, MedGen C2750078, MONDO:0013219, OMIM 613312.
Inherited obesity. Also called: Monogenic Obesity. Identifiers: Orphanet 77828, MedGen C4054476, MONDO:0019182, OMIM 601665.
Type 2 diabetes mellitus. Also called: Type II diabetes mellitus. Identifiers: MedGen C0011860, MeSH D003924, MONDO:0005148, OMIM 125853, HP:0005978.
Inborn genetic diseases. Identifiers: MedGen C0950123, MeSH D030342.

Allele frequency attached by ClinVar (database versions not stated): gnomAD 0.00003.
gnomAD v4.1: 5 of 1,001,482 alleles (0.0005%); highest among the groups gnomAD compares: African/African-American, 0.0072%; no homozygotes.

Submissions (4):

Women's Health and Genetics/Laboratory Corporation of America, LabCorp
Classification: Uncertain significance. Last evaluated: 2026-06-18. Review status: criteria provided, single submitter. Criteria: LabCorp Variant Classification Summary - May 2015. Collection method: clinical testing. Allele origin: germline.
Comment: Variant summary: ENPP1 c.34C>G (p.Arg12Gly) results in a non-conservative amino acid change in the encoded protein sequence. Algorithms developed to predict the effect of missense changes on protein structure and function are either unavailable or do not agree on the potential impact of this missense change. The frequency data for this variant in gnomAD is considered unreliable, as metrics indicate poor data quality at this position. To our knowledge, no occurrence of c.34C>G in individuals affected with ENPP1-related conditions and no experimental evidence demonstrating its impact on protein function have been reported. ClinVar contains an entry for this variant (Variation ID: 2983301). Based on the evidence outlined above, the variant was classified as uncertain significance.

Labcorp Genetics (formerly Invitae), Labcorp
Classification: Likely benign. Last evaluated: 2026-01-18. Review status: criteria provided, single submitter. Criteria: Invitae Variant Classification Sherloc (09022015). Collection method: clinical testing. Allele origin: germline.

Ambry Genetics
Classification: Uncertain significance for Inborn genetic diseases. Last evaluated: 2025-09-28. Review status: criteria provided, single submitter. Criteria: Ambry Variant Classification Scheme 2023. Collection method: clinical testing. Allele origin: germline.

Fulgent Genetics
Classification: Uncertain significance for Type 2 diabetes mellitus; Arterial calcification, generalized, of infancy, 1; Inherited obesity; Hypophosphatemic rickets, autosomal recessive, 2; Hypopigmentation-punctate palmoplantar keratoderma syndrome. Last evaluated: 2024-06-11. Review status: criteria provided, single submitter. Criteria: ACMG Guidelines, 2015. Collection method: clinical testing. Allele origin: germline.

NM_006208.3(ENPP1):c.34C>G (p.Arg12Gly)

Gene: ENPP1 (ectonucleotide pyrophosphatase/phosphodiesterase 1; plus strand). Cytogenetic location: 6q23.2.
Variant type: single nucleotide variant.
Coding change: c.34C>G on transcript NM_006208.3 (MANE Select); coding-DNA position 34, C replaced by G.
Protein change: p.Arg12Gly; replaces arginine 12 with glycine.
Molecular consequence: missense variant.
Genome position (GRCh38, 1-based): chr6:131,808,069, C>G. VCF-style: chr6-131808069-C-G. GRCh37 (hg19) VCF-style: chr6-132129209-C-G.
Other names: c.34C>G (NM_006208.2); short protein forms R12G.
Identifiers: ClinVar variation 2983301 (VCV002983301.5), dbSNP rs1416080494, ClinGen allele CA365660796.